The following is an entry in ClinVar:

NM_053025.4(MYLK):c.4837+6G>C

Gene: MYLK (myosin light chain kinase; minus strand). Cytogenetic location: 3q21.1.
Variant type: single nucleotide variant.
Coding change: c.4837+6G>C on transcript NM_053025.4 (MANE Select); 6 bases into the intron after coding-DNA position 4837, G replaced by C.
Molecular consequence: intron variant.
Genome position (GRCh38, 1-based): chr3:123,640,281, C>G on the plus strand (G>C on the coding strand, the complement: MYLK is on the minus strand). VCF-style: chr3-123640281-C-G. GRCh37 (hg19) VCF-style: chr3-123359128-C-G.
Other names: c.4309+6G>C (NM_001321309.2); c.4630+6G>C (NM_053028.4, NM_053026.4); c.4837+6G>C (NM_053027.4).
Identifiers: ClinVar variation 4805703 (VCV004805703.1).

ClinVar aggregate classification (germline): Uncertain significance (1 of 4 stars; one submission).

Conditions:
Aortic aneurysm, familial thoracic 7 (AAT7). Also called: AORTIC DISSECTION, FAMILIAL, WITH OR WITHOUT AORTIC ANEURYSM. Identifiers: MedGen C3151077, MONDO:0013418, OMIM 613780.

Submission:

Labcorp Genetics (formerly Invitae), Labcorp
Classification: Uncertain significance for Aortic aneurysm, familial thoracic 7. Last evaluated: 2025-04-30. Review status: criteria provided, single submitter. Criteria: Invitae Variant Classification Sherloc (09022015). Collection method: clinical testing. Allele origin: germline.
Comment: This sequence change falls in intron 28 of the MYLK gene. It does not directly change the encoded amino acid sequence of the MYLK protein. It affects a nucleotide within the consensus splice site. This variant is not present in population databases (gnomAD no frequency). This variant has not been reported in the literature in individuals affected with MYLK-related conditions. Variants that disrupt the consensus splice site are a relatively common cause of aberrant splicing (PMID: 17576681, 9536098). Algorithms developed to predict the effect of sequence changes on RNA splicing suggest that this variant is not likely to affect RNA splicing. In summary, the available evidence is currently insufficient to determine the role of this variant in disease. Therefore, it has been classified as a Variant of Uncertain Significance.

Literature cited by the submitters: PubMed 17576681; PubMed 9536098.